The following is an entry in ClinVar:

ClinVar aggregate classification (germline): Uncertain significance (1 of 4 stars; one submission).

Conditions:
Inborn genetic diseases. Identifiers: MedGen C0950123, MeSH D030342.

Submission:

Ambry Genetics
Classification: Uncertain significance for Inborn genetic diseases. Last evaluated: 2024-07-23. Review status: criteria provided, single submitter. Criteria: Ambry Variant Classification Scheme 2023. Collection method: clinical testing. Allele origin: germline.
Comment: The c.4272T>G (p.D1424E) alteration is located in exon 23 (coding exon 22) of the SCN8A gene. This alteration results from a T to G substitution at nucleotide position 4272, causing the aspartic acid (D) at amino acid position 1424 to be replaced by a glutamic acid (E). This variant was not reported in population-based cohorts in the Genome Aggregation Database (gnomAD). This amino acid position is highly conserved in available vertebrate species. This missense alteration is located in a region that has a low rate of benign missense variation (Lek, 2016; Firth, 2009). This alteration is predicted to be deleterious by in silico analysis. Based on insufficient or conflicting evidence, the clinical significance of this alteration remains unclear.

NM_001330260.2(SCN8A):c.4272T>G (p.Asp1424Glu)

Gene: SCN8A (sodium voltage-gated channel alpha subunit 8; plus strand). Cytogenetic location: 12q13.13.
Variant type: single nucleotide variant.
Coding change: c.4272T>G on transcript NM_001330260.2 (MANE Select); coding-DNA position 4272, T replaced by G.
Protein change: p.Asp1424Glu; replaces aspartic acid 1424 with glutamic acid.
Molecular consequence: missense variant.
Genome position (GRCh38, 1-based): chr12:51,788,739, T>G. VCF-style: chr12-51788739-T-G. GRCh37 (hg19) VCF-style: chr12-52182523-T-G.
Other names: c.4149T>G, p.Asp1383Glu (NM_001177984.3, NM_001369788.1); c.4272T>G, p.Asp1424Glu (NM_014191.4); short protein forms D1424E, D1383E.
Identifiers: ClinVar variation 3316623 (VCV003316623.2).